The following is an entry in ClinVar:

ClinVar aggregate classification (germline): Likely pathogenic. Review status: criteria provided, multiple submitters, no conflicts (2 of 4 stars). 2 submissions from 2 submitters: Likely pathogenic (2). Last evaluated 2026-04-14.

Conditions:
Familial intrahepatic cholestasis. Identifiers: Orphanet 284385, MedGen CN296401, MONDO:0017290.

Submissions (2):

Genomenon, Inc
Classification: Likely pathogenic for Familial intrahepatic cholestasis. Last evaluated: 2026-04-14. Review status: criteria provided, single submitter. Criteria: Genomenon Sequence Variant Interpretation Standards - Updated. Collection method: curation. Allele origin: germline. Affected: yes.
Comment: ABCB11 p.Asn515Asp (c.1543A>G) is a missense variant that changes the amino acid at residue 515 from Asparagine to Aspartic acid. This variant has been observed in at least one proband with an ABCB11-related disorder (PMID:32087350;28730136). It has been observed in trans with a pathogenic or likely pathogenic variant (PMID:28730136). It is absent or not present at a significant frequency in gnomAD. In silico models predict that this variant is possibly or probably damaging. In conclusion, we classify ABCB11 p.Asn515Asp (c.1543A>G) as a likely pathogenic variant.

Labcorp Genetics (formerly Invitae), Labcorp
Classification: Likely pathogenic. Last evaluated: 2023-11-01. Review status: criteria provided, single submitter. Criteria: Invitae Variant Classification Sherloc (09022015). Collection method: clinical testing. Allele origin: germline.
Comment: This sequence change replaces asparagine, which is neutral and polar, with aspartic acid, which is acidic and polar, at codon 515 of the ABCB11 protein (p.Asn515Asp). This variant is not present in population databases (gnomAD no frequency). This missense change has been observed in individual(s) with progressive familial intrahepatic cholestasis (PMID: 28730136). In at least one individual the data is consistent with being in trans (on the opposite chromosome) from a pathogenic variant. Advanced modeling of protein sequence and biophysical properties (such as structural, functional, and spatial information, amino acid conservation, physicochemical variation, residue mobility, and thermodynamic stability) performed at Invitae indicates that this missense variant is expected to disrupt ABCB11 protein function with a positive predictive value of 95%. This variant disrupts the p.Asn515 amino acid residue in ABCB11. Other variant(s) that disrupt this residue have been observed in individuals with ABCB11-related conditions (PMID: 16641580, 32793533), which suggests that this may be a clinically significant amino acid residue. In summary, the currently available evidence indicates that the variant is pathogenic, but additional data are needed to prove that conclusively. Therefore, this variant has been classified as Likely Pathogenic.

Literature cited by the submitters: PubMed 32087350 (cited by Genomenon, Inc); PubMed 28730136 (cited by Genomenon, Inc and Labcorp Genetics (formerly Invitae), Labcorp); PubMed 16641580 (cited by Labcorp Genetics (formerly Invitae), Labcorp); PubMed 32793533 (cited by Labcorp Genetics (formerly Invitae), Labcorp).

NM_003742.4(ABCB11):c.1543A>G (p.Asn515Asp)

Gene: ABCB11 (ATP binding cassette subfamily B member 11; minus strand). Cytogenetic location: 2q31.1.
Variant type: single nucleotide variant.
Coding change: c.1543A>G on transcript NM_003742.4 (MANE Select); coding-DNA position 1543, A replaced by G.
Protein change: p.Asn515Asp; replaces asparagine 515 with aspartic acid.
Molecular consequence: missense variant.
Genome position (GRCh38, 1-based): chr2:168,971,942, T>C on the plus strand (A>G on the coding strand, the complement: ABCB11 is on the minus strand). VCF-style: chr2-168971942-T-C. GRCh37 (hg19) VCF-style: chr2-169828452-T-C.
Other names: short protein forms N515D.
Identifiers: ClinVar variation 2734327 (VCV002734327.4), dbSNP rs934030293, ClinGen allele CA59881287.
Genomic context (GRCh38, chr2:168,971,942, plus strand): 5'-CCTCCTTGGCAGCTTGGACTATGTCTTCCATTGTTGCATCTTCTCTGCCATAGCGAATAT[T>C]TTCTGCAATGGTGGTAGAGAACAGAACTGGCTCTTGCTCCACTATCCCAATCTGATCTCT-3'
Protein context (NP_003733.2, residues 505-525): PVLFSTTIAE[Asn515Asp]IRYGREDATM